The following is an entry in ClinVar:

NM_020937.4(FANCM):c.3793G>C (p.Glu1265Gln)

Gene: FANCM (FA complementation group M; plus strand). Cytogenetic location: 14q21.2.
Variant type: single nucleotide variant.
Coding change: c.3793G>C on transcript NM_020937.4 (MANE Select); coding-DNA position 3793, G replaced by C.
Protein change: p.Glu1265Gln; replaces glutamic acid 1265 with glutamine.
Molecular consequence: missense variant.
Genome position (GRCh38, 1-based): chr14:45,176,547, G>C. VCF-style: chr14-45176547-G-C. GRCh37 (hg19) VCF-style: chr14-45645750-G-C.
Other names: c.3793G>C (LRG_502t1); c.3715G>C, p.Glu1239Gln (NM_001308133.2); short protein forms E1265Q, E1239Q.
Identifiers: ClinVar variation 569268 (VCV000569268.10), dbSNP rs1566766047, ClinGen allele CA389603049.

ClinVar aggregate classification (germline): Uncertain significance (1 of 4 stars; one submission).

Conditions:
Fanconi anemia (FA). Also called: Fanconi's anemia. Identifiers: Orphanet 84, MedGen C0015625, MeSH D005199, MONDO:0019391.

Submission:

Labcorp Genetics (formerly Invitae), Labcorp
Classification: Uncertain significance for Fanconi anemia. Last evaluated: 2019-05-24. Review status: criteria provided, single submitter. Criteria: Invitae Variant Classification Sherloc (09022015). Collection method: clinical testing. Allele origin: germline.
Comment: Algorithms developed to predict the effect of missense changes on protein structure and function (SIFT, PolyPhen-2, Align-GVGD) all suggest that this variant is likely to be tolerated, but these predictions have not been confirmed by published functional studies and their clinical significance is uncertain. This sequence change replaces glutamic acid with glutamine at codon 1265 of the FANCM protein (p.Glu1265Gln). The glutamic acid residue is weakly conserved and there is a small physicochemical difference between glutamic acid and glutamine. This variant is not present in population databases (ExAC no frequency). This variant has not been reported in the literature in individuals with FANCM-related disease. In summary, the available evidence is currently insufficient to determine the role of this variant in disease. Therefore, it has been classified as a Variant of Uncertain Significance.